The following is an entry in ClinVar:

NM_002432.3(MNDA):c.1077C>G (p.Ile359Met)

Gene: MNDA (myeloid cell nuclear differentiation antigen; plus strand). Cytogenetic location: 1q23.1.
Variant type: single nucleotide variant.
Coding change: c.1077C>G on transcript NM_002432.3 (MANE Select); coding-DNA position 1077, C replaced by G.
Protein change: p.Ile359Met; replaces isoleucine 359 with methionine.
Molecular consequence: missense variant.
Genome position (GRCh38, 1-based): chr1:158,847,817, C>G. VCF-style: chr1-158847817-C-G. GRCh37 (hg19) VCF-style: chr1-158817607-C-G.
Other names: short protein forms I359M.
Identifiers: ClinVar variation 2496893 (VCV002496893.2), dbSNP rs2102053076, ClinGen allele CA343044259.
Genomic context (GRCh38, chr1:158,847,817, plus strand): 5'-TGAAATACAGGATAATACAGGATCCATGGATGTAGTGGGGAGTGGAAAATGGCACAATAT[C>G]AAGTGTGAGAAAGGAGATAAACTTCGACTCTTCTGCCTTCAACTGAGAACAGTTGACCGC-3'
Protein context (NP_002423.1, residues 349-369): DVVGSGKWHN[Ile359Met]KCEKGDKLRL

ClinVar aggregate classification (germline): Uncertain significance (1 of 4 stars; one submission).

Submission:

Ambry Genetics
Classification: Uncertain significance. Last evaluated: 2023-02-10. Review status: criteria provided, single submitter. Criteria: Ambry Variant Classification Scheme 2023. Collection method: clinical testing. Allele origin: germline.
Comment: The p.I359M variant (also known as c.1077C>G), located in coding exon 5 of the MNDA gene, results from a C to G substitution at nucleotide position 1077. The isoleucine at codon 359 is replaced by methionine, an amino acid with highly similar properties. This amino acid position is conserved. In addition, this alteration is predicted to be tolerated by in silico analysis. Since supporting evidence is limited at this time, the clinical significance of this alteration remains unclear.